The following is an entry in ClinVar:

ClinVar aggregate classification (germline): Uncertain significance (1 of 4 stars; one submission).

Conditions:
Hereditary pheochromocytoma and paraganglioma. Also called: Hereditary paragangliomas and pheochromocytomas; Hereditary Paraganglioma-Pheochromocytoma Syndromes; Hereditary pheochromocytoma-paraganglioma. Identifiers: Orphanet 29072, MedGen C4274332, MONDO:0017366.

Submission:

Department of Clinical Genetics, Copenhagen University Hospital, Rigshospitalet
Classification: Uncertain significance for Hereditary pheochromocytoma and paraganglioma. Last evaluated: 2025-01-24. Review status: criteria provided, single submitter. Criteria: ACMG Guidelines, 2015. Collection method: clinical testing. Allele origin: germline.
Comment: The following ACMG criteria have been used in classification: PM2_SUP

Literature cited by the submitters: PubMed 27279923.

NM_003001.5(SDHC):c.496C>G (p.Leu166Val)

Gene: SDHC (succinate dehydrogenase complex subunit C; plus strand). Cytogenetic location: 1q23.3.
Variant type: single nucleotide variant.
Coding change: c.496C>G on transcript NM_003001.5 (MANE Select); coding-DNA position 496, C replaced by G.
Protein change: p.Leu166Val; replaces leucine 166 with valine.
Molecular consequence: missense variant. On other transcripts: non-coding transcript variant (1).
Genome position (GRCh38, 1-based): chr1:161,362,419, C>G. VCF-style: chr1-161362419-C-G. GRCh37 (hg19) VCF-style: chr1-161332209-C-G.
Other names: c.332C>G, p.Ala111Gly (NM_001035511.3); c.394C>G, p.Leu132Val (NM_001035512.3); c.337C>G, p.Leu113Val (NM_001035513.3); c.230C>G, p.Ala77Gly (NM_001278172.3); c.616C>G, p.Leu206Val (NM_001407115.1); c.439C>G, p.Leu147Val (NM_001407116.1); c.433C>G, p.Leu145Val (NM_001407117.1); c.388C>G, p.Leu130Val (NM_001407118.1); and 2 more; short protein forms A111G, A77G, A92G, L113V, L129V, L130V, L132V, L145V.
Identifiers: ClinVar variation 3602772 (VCV003602772.2).
Genomic context (GRCh38, chr1:161,362,419, plus strand): 5'-CCCCAGCTATACCAGTCTGGAGTGGTTGTCCTGGTTCTTACTGTGTTGTCCTCTATGGGG[C>G]TGGCAGCCATGTGAAGAAAGGAGGCTCCCAGCATCATCTTCCTACACATTATTACATTCA-3'
Protein context (NP_002992.1, residues 156-169): LVLTVLSSMG[Leu166Val]AAM